The following is an entry in ClinVar:

ClinVar aggregate classification (germline): Likely benign. Review status: criteria provided, multiple submitters, no conflicts (2 of 4 stars). 2 submissions from 2 submitters: Likely benign (2). Last evaluated 2024-06-01.

Allele frequency attached by ClinVar (database versions not stated): gnomAD 0.00001; gnomAD exomes 0.00001; TOPMed 0.00001.
gnomAD v4.1: 10 of 1,612,980 alleles (0.00062%); highest among the groups gnomAD compares: Admixed American, 0.0017%; no homozygotes.

Submissions (2):

CeGaT Center for Human Genetics Tuebingen
Classification: Likely benign. Last evaluated: 2024-06-01. Review status: criteria provided, single submitter. Criteria: CeGaT Center For Human Genetics Tuebingen Variant Classification Criteria Version 2. Collection method: clinical testing. Allele origin: germline. Affected: yes. Observed: 1 variant allele.
Comment: LONP1: BP4, BP7

Labcorp Genetics (formerly Invitae), Labcorp
Classification: Likely benign. Last evaluated: 2022-08-21. Review status: criteria provided, single submitter. Criteria: Invitae Variant Classification Sherloc (09022015). Collection method: clinical testing. Allele origin: germline.

NM_004793.4(LONP1):c.738G>A (p.Ala246=)

Gene: LONP1 (lon peptidase 1, mitochondrial; minus strand). Cytogenetic location: 19p13.3.
Variant type: single nucleotide variant.
Coding change: c.738G>A on transcript NM_004793.4 (MANE Select); coding-DNA position 738, G replaced by A.
Protein change: p.Ala246=; no amino-acid change (alanine 246 retained).
Molecular consequence: synonymous variant. On other transcripts: non-coding transcript variant (1).
Genome position (GRCh38, 1-based): chr19:5,711,903, C>T on the plus strand (G>A on the coding strand, the complement: LONP1 is on the minus strand). VCF-style: chr19-5711903-C-T. GRCh37 (hg19) VCF-style: chr19-5711914-C-T.
Other names: c.546G>A, p.Ala182= (NM_001276479.2); c.150G>A, p.Ala50= (NM_001276480.1).
Identifiers: ClinVar variation 2184716 (VCV002184716.22), dbSNP rs1035298522, ClinGen allele CA304636458.